The following is an entry in ClinVar:

NM_006922.4(SCN3A):c.5066T>C (p.Met1689Thr)

Gene: SCN3A (sodium voltage-gated channel alpha subunit 3; minus strand). Cytogenetic location: 2q24.3.
Variant type: single nucleotide variant.
Coding change: c.5066T>C on transcript NM_006922.4 (MANE Select); coding-DNA position 5066, T replaced by C.
Protein change: p.Met1689Thr; replaces methionine 1689 with threonine.
Molecular consequence: missense variant.
Genome position (GRCh38, 1-based): chr2:165,091,087, A>G on the plus strand (T>C on the coding strand, the complement: SCN3A is on the minus strand). VCF-style: chr2-165091087-A-G. GRCh37 (hg19) VCF-style: chr2-165947597-A-G.
Other names: c.4919T>C, p.Met1640Thr (NM_001081676.2, NM_001081677.2); short protein forms M1640T, M1689T.
Identifiers: ClinVar variation 1010670 (VCV001010670.8), dbSNP rs1685076063, ClinGen allele CA349017394.
Genomic context (GRCh38, chr2:165,091,087, plus strand): 5'-GCAGAGGTTGTAATTTGGAACAAGCAGATCATGCTGTTGCCAAAGGTCTCAAAGTTGAAC[A>G]TGTCATCAATTCCAGCTTCCTTTTTAACATAGGCAAAGTTGGACATCCCAAAGATGGCAT-3'
Protein context (NP_008853.3, residues 1679-1699): YVKKEAGIDD[Met1689Thr]FNFETFGNSM

ClinVar aggregate classification (germline): Uncertain significance (1 of 4 stars; one submission).

Submission:

Labcorp Genetics (formerly Invitae), Labcorp
Classification: Uncertain significance. Last evaluated: 2020-05-21. Review status: criteria provided, single submitter. Criteria: Invitae Variant Classification Sherloc (09022015). Collection method: clinical testing. Allele origin: germline.
Comment: In summary, the available evidence is currently insufficient to determine the role of this variant in disease. Therefore, it has been classified as a Variant of Uncertain Significance. This variant has not been reported in the literature in individuals with SCN3A-related disease. This sequence change replaces methionine with threonine at codon 1689 of the SCN3A protein (p.Met1689Thr). The methionine residue is moderately conserved and there is a moderate physicochemical difference between methionine and threonine. This variant is not present in population databases (ExAC no frequency). Algorithms developed to predict the effect of missense changes on protein structure and function do not agree on the potential impact of this missense change (SIFT: "Deleterious"; PolyPhen-2: "Possibly Damaging"; Align-GVGD: "Class C0").